The following is an entry in ClinVar:

ClinVar aggregate classification (germline): Benign/Likely benign. Review status: criteria provided, multiple submitters, no conflicts (2 of 4 stars). 4 submissions from 2 submitters: Benign (3); Likely benign (1). Last evaluated 2018-06-16.

Conditions:
Distal spinal muscular atrophy. Also called: Distal hereditary motor neuronopathy; Distal hereditary motor neuropathy. Identifiers: Orphanet 53739, MedGen C0393541, MONDO:0018894.
Neuronopathy, distal hereditary motor, type 5A (HMND5). Also called: Distal Spinal Muscular Atrophy V; Distal Spinal Muscular Atrophy V (dSMA-V); NEURONOPATHY, DISTAL HEREDITARY MOTOR, AUTOSOMAL DOMINANT 5; DHMN VA. Identifiers: Orphanet 139536, MedGen CN031873, MONDO:0015353, OMIM 600794.
Charcot-Marie-Tooth disease type 2D (CMT2D). Also called: Charcot-Marie-Tooth Neuropathy Type 2D; CHARCOT-MARIE-TOOTH DISEASE, AXONAL, TYPE 2D; GARS1 Adolescent- or Early Adult-Onset Hereditary Motor/Sensory Neuropathy (GARS1-HMSN); CHARCOT-MARIE-TOOTH DISEASE, NEURONAL, TYPE 2D. Identifiers: Orphanet 99938, MedGen C1832274, MONDO:0011091, OMIM 601472.

Allele frequency attached by ClinVar (database versions not stated): gnomAD 0.00635 and 0.00641; 1000 Genomes Project 0.00379; 1000 Genomes Project 30x 0.00422; TOPMed 0.00592; gnomAD exomes 0.00841.

Submissions (4):

GeneDx
Classification: Likely benign. Last evaluated: 2018-06-16. Review status: criteria provided, single submitter. Criteria: GeneDx Variant Classification (06012015). Collection method: clinical testing. Allele origin: germline. Affected: yes.
Comment: This variant is considered likely benign or benign based on one or more of the following criteria: it is a conservative change, it occurs at a poorly conserved position in the protein, it is predicted to be benign by multiple in silico algorithms, and/or has population frequency not consistent with disease.

Illumina Laboratory Services, Illumina
Classification: Benign for Distal Spinal Muscular Atrophy. Last evaluated: 2018-01-13. Review status: criteria provided, single submitter. Criteria: ICSL Variant Classification Criteria 13 December 2019. Collection method: clinical testing. Allele origin: germline.
Comment: This variant was observed in the ICSL laboratory as part of a predisposition screen in an ostensibly healthy population. It had not been previously curated by ICSL or reported in the Human Gene Mutation Database (HGMD: prior to June 1st, 2018), and was therefore a candidate for classification through an automated scoring system. Utilizing variant allele frequency, disease prevalence and penetrance estimates, and inheritance mode, an automated score was calculated to assess if this variant is too frequent to cause the disease. Based on the score and internal cut-off values, a variant classified as benign is not then subjected to further curation. The score for this variant resulted in a classification of benign for this disease.

Illumina Laboratory Services, Illumina
Classification: Benign for Distal hereditary motor neuronopathy type 5. Last evaluated: 2018-01-13. Review status: criteria provided, single submitter. Criteria: ICSL Variant Classification Criteria 13 December 2019. Collection method: clinical testing. Allele origin: germline.
Comment: the same text as in the submission from Illumina Laboratory Services, Illumina above.

Illumina Laboratory Services, Illumina
Classification: Benign for Charcot-Marie-Tooth disease type 2D. Last evaluated: 2018-01-13. Review status: criteria provided, single submitter. Criteria: ICSL Variant Classification Criteria 13 December 2019. Collection method: clinical testing. Allele origin: germline.
Comment: the same text as in the submission from Illumina Laboratory Services, Illumina above.

NM_002047.2(GARS1):c.-225G>A

Gene: GARS1 (glycyl-tRNA synthetase 1; plus strand). Cytogenetic location: 7p14.3.
Variant type: single nucleotide variant.
Coding change: c.-225G>A on transcript NM_002047.2; 225 bases upstream of the start codon, G replaced by A.
Genome position (GRCh38, 1-based): chr7:30,594,697, G>A. VCF-style: chr7-30594697-G-A. GRCh37 (hg19) VCF-style: chr7-30634313-G-A.
Identifiers: ClinVar variation 359992 (VCV000359992.8), dbSNP rs148593022, ClinGen allele CA10623829.